The following is an entry in ClinVar:

ClinVar aggregate classification (germline): Uncertain significance (1 of 4 stars; one submission).

gnomAD v4.1: 5 of 1,614,188 alleles (0.00031%); highest among the groups gnomAD compares: Non-Finnish European, 0.00034%; no homozygotes.

Submission:

Women's Health and Genetics/Laboratory Corporation of America, LabCorp
Classification: Uncertain significance. Last evaluated: 2019-05-02. Review status: criteria provided, single submitter. Criteria: LabCorp Variant Classification Summary - May 2015. Collection method: clinical testing. Allele origin: germline.
Comment: Variant summary: KCNK9 c.509C>T (p.Thr170Met) results in a non-conservative amino acid change located in the Potassium channel domain (IPR013099) of the encoded protein sequence. Four of five in-silico tools predict a damaging effect of the variant on protein function. The variant was absent in 251390 control chromosomes (gnomAD). The available data on variant occurrences in the general population are insufficient to allow any conclusion about variant significance. To our knowledge, no occurrence of c.509C>T in individuals affected with Birk Barel mental retardation dysmorphism syndrome and no experimental evidence demonstrating its impact on protein function have been reported. No clinical diagnostic laboratories have submitted clinical-significance assessments for this variant to ClinVar after 2014. Based on the evidence outlined above, the variant was classified as uncertain significance.

NM_001282534.2(KCNK9):c.509C>T (p.Thr170Met)

Gene: KCNK9 (potassium two pore domain channel subfamily K member 9; minus strand). Cytogenetic location: 8q24.3.
Variant type: single nucleotide variant.
Coding change: c.509C>T on transcript NM_001282534.2 (MANE Select); coding-DNA position 509, C replaced by T.
Protein change: p.Thr170Met; replaces threonine 170 with methionine.
Molecular consequence: missense variant. On other transcripts: non-coding transcript variant (1).
Genome position (GRCh38, 1-based): chr8:139,618,874, G>A on the plus strand (C>T on the coding strand, the complement: KCNK9 is on the minus strand). VCF-style: chr8-139618874-G-A. GRCh37 (hg19) VCF-style: chr8-140631117-G-A.
Other names: short protein forms T170M.
Identifiers: ClinVar variation 928701 (VCV000928701.1), dbSNP rs1814685669, ClinGen allele CA372734473.